The following is an entry in ClinVar:

ClinVar aggregate classification (germline): Likely benign (1 of 4 stars; one submission).

gnomAD v4.1: 79 of 1,613,904 alleles (0.0049%); highest among the groups gnomAD compares: African/African-American, 0.036%; no homozygotes.

Submission:

CeGaT Center for Human Genetics Tuebingen
Classification: Likely benign. Last evaluated: 2024-11-01. Review status: criteria provided, single submitter. Criteria: CeGaT Center For Human Genetics Tuebingen Variant Classification Criteria Version 2. Collection method: clinical testing. Allele origin: germline. Affected: yes. Observed: 1 variant allele.
Comment: SLC34A2: BP4, BP7

NM_006424.3(SLC34A2):c.939C>T (p.Asn313=)

Gene: SLC34A2 (solute carrier family 34 member 2; plus strand). Cytogenetic location: 4p15.2.
Variant type: single nucleotide variant.
Coding change: c.939C>T on transcript NM_006424.3 (MANE Select); coding-DNA position 939, C replaced by T.
Protein change: p.Asn313=; no amino-acid change (asparagine 313 retained).
Molecular consequence: synonymous variant.
Genome position (GRCh38, 1-based): chr4:25,671,612, C>T. VCF-style: chr4-25671612-C-T. GRCh37 (hg19) VCF-style: chr4-25673234-C-T.
Other names: c.936C>T, p.Asn312= (NM_001177998.2, NM_001177999.2).
Identifiers: ClinVar variation 3388820 (VCV003388820.14).